The following is an entry in ClinVar:

NM_000059.4(BRCA2):c.7436-2_7617+189del

Gene: BRCA2 (BRCA2 DNA repair associated; plus strand). Cytogenetic location: 13q13.1.
Variant type: Deletion.
Coding change: c.7436-2_7617+189del on transcript NM_000059.4 (MANE Select); the canonical splice acceptor site of the intron before coding-DNA position 7436 through 189 bases into the intron after coding-DNA position 7617, 373 bases deleted.
Molecular consequence: splice acceptor variant, splice donor variant.
Genome position (GRCh38, 1-based): chr13:32,356,426-32,356,798, 373 bases deleted. GRCh37 (hg19): chr13:32,930,563-32,930,935.
Identifiers: ClinVar variation 1049319 (VCV001049319.1), dbSNP rs2137561652, ClinGen allele CA2499222288.

ClinVar aggregate classification (germline): Pathogenic (0 of 4 stars; one submission).

Submission:

Department of Pathology and Laboratory Medicine, Sinai Health System
Classification: Pathogenic. Review status: no assertion criteria provided. Collection method: clinical testing. Allele origin: unknown. Affected: yes. Observed: 1 variant allele. Study: The Canadian Open Genetics Repository (COGR).
Comment: The BRCA2 c.7436-?_7805+?del variant (chr13:32930565-?_32932066+?del, GRCh37) results in a deletion of exons 15 and 16, although the precise breakpoints of this deletion were not determined, nor were the effects of this variant on the resulting mRNA or protein product determined. The BRCA2 c.7436-?_7805+?del variant was identified in 3 of 1718 proband chromosomes (frequency: 0.002) from individuals or families with breast and ovarian cancer (del Valle 2010, Guitierrez-Enriquez 2007, Casilli 2006). The variant was also identified in ClinVar (2x as pathogenic by CIMBA-University of Cambridge and Invitae), and by UMD-LSDB (1x as Causal). The variant was not identified in COGR, Cosmic, MutDB, LOVD 3.0, BIC Database, ARUP Laboratories, or the Zhejiang University Database. The variant was not identified in the following control databases: the Exome Aggregation Consortium (August 8th 2016), or the Database of Genomic Variants. Two studies that identified the deletion also performed RNA/cDNA analysis and confirmed the skipping of exons 15 and 16 (r.7436_7805del), leading to a frameshift and a subsequent putative truncated protein (p.Asp2479GlyfsX46, del Valle 2010,Guitierrez-Enriquez 2007). The c.7436-?_7805+?del variant is predicted to cause a frameshift, which alters the protein's amino acid sequence beginning at codon 2479 and leads to a premature stop codon at position 2525. This alteration is then predicted to result in a truncated or absent protein and loss of function. Loss of function variants of the BRCA2 gene are an established mechanism of disease in Hereditary breast and ovarian cancer syndrome and is the type of variant expected to cause the disorder. In summary, based on the above information this variant meets our laboratoryâ€šÃ„Ã´s criteria to be classified as pathogenic.